The following is an entry in ClinVar:

NM_006031.6(PCNT):c.7691-1G>A

Gene: PCNT (pericentrin; plus strand). Cytogenetic location: 21q22.3.
Variant type: single nucleotide variant.
Coding change: c.7691-1G>A on transcript NM_006031.6 (MANE Select); the canonical splice acceptor site of the intron before coding-DNA position 7691, G replaced by A.
Molecular consequence: splice acceptor variant.
Genome position (GRCh38, 1-based): chr21:46,430,009, G>A. VCF-style: chr21-46430009-G-A. GRCh37 (hg19) VCF-style: chr21-47849923-G-A.
Other names: c.7337-1G>A (NM_001315529.2).
Identifiers: ClinVar variation 2894106 (VCV002894106.5), dbSNP rs747483671, ClinGen allele CA10080777.

ClinVar aggregate classification (germline): Likely pathogenic. Review status: criteria provided, multiple submitters, no conflicts (2 of 4 stars). 3 submissions from 3 submitters: Likely pathogenic (3). Last evaluated 2024-10-23.

Conditions:
PCNT-related disorder. Also called: PCNT-related condition.
Microcephalic osteodysplastic primordial dwarfism type II (MOPD2). Also called: Microcephalic osteodysplastic primordial dwarfism with tooth abnormalities; MOPD II; OSTEODYSPLASTIC PRIMORDIAL DWARFISM, TYPE II. Identifiers: Orphanet 2637, MedGen C0432246, MONDO:0008872, OMIM 210720.

Allele frequency attached by ClinVar (database versions not stated): ExAC 0.00001; gnomAD exomes 0.00001; TOPMed 0.00001; gnomAD 0.00003.
gnomAD v4.1: 23 of 1,613,826 alleles (0.0014%); highest among the groups gnomAD compares: Non-Finnish European, 0.0019%; no homozygotes.

Submissions (3):

Labcorp Genetics (formerly Invitae), Labcorp
Classification: Likely pathogenic. Last evaluated: 2024-10-23. Review status: criteria provided, single submitter. Criteria: Invitae Variant Classification Sherloc (09022015). Collection method: clinical testing. Allele origin: germline.
Comment: This sequence change affects an acceptor splice site in intron 35 of the PCNT gene. It is expected to disrupt RNA splicing. Variants that disrupt the donor or acceptor splice site typically lead to a loss of protein function (PMID: 16199547), and loss-of-function variants in PCNT are known to be pathogenic (PMID: 18174396, 22821869). This variant is present in population databases (rs747483671, gnomAD 0.005%). This variant has not been reported in the literature in individuals affected with PCNT-related conditions. Algorithms developed to predict the effect of sequence changes on RNA splicing suggest that this variant may disrupt the consensus splice site. In summary, the currently available evidence indicates that the variant is pathogenic, but additional data are needed to prove that conclusively. Therefore, this variant has been classified as Likely Pathogenic.

Fulgent Genetics
Classification: Likely pathogenic for Microcephalic osteodysplastic primordial dwarfism type II. Last evaluated: 2024-03-14. Review status: criteria provided, single submitter. Criteria: ACMG Guidelines, 2015. Collection method: clinical testing. Allele origin: germline.

Blueprint Genetics
Classification: Likely pathogenic for PCNT-related disorders. Last evaluated: 2024-01-03. Review status: criteria provided, single submitter. Criteria: ACMG Guidelines, 2015. Collection method: clinical testing. Allele origin: germline. Affected: yes. Observed: 3 variant alleles.

Literature cited by the submitters: PubMed 16199547 (cited by Labcorp Genetics (formerly Invitae), Labcorp); PubMed 18174396 (cited by Labcorp Genetics (formerly Invitae), Labcorp); PubMed 22821869 (cited by Labcorp Genetics (formerly Invitae), Labcorp).